The following is an entry in ClinVar:

NM_001384140.1(PCDH15):c.3807-6T>G

Gene: PCDH15 (protocadherin related 15; minus strand). Cytogenetic location: 10q21.1.
Variant type: single nucleotide variant.
Coding change: c.3807-6T>G on transcript NM_001384140.1 (MANE Select); 6 bases into the intron before coding-DNA position 3807, T replaced by G.
Molecular consequence: intron variant.
Genome position (GRCh38, 1-based): chr10:53,840,502, A>C on the plus strand (T>G on the coding strand, the complement: PCDH15 is on the minus strand). VCF-style: chr10-53840502-A-C. GRCh37 (hg19) VCF-style: chr10-55600262-A-C.
Other names: c.3807-6T>G (NM_001354420.2, NM_001354429.2, NM_001142772.2 and 4 more transcripts); c.3822-6T>G (NM_001142771.2, NM_001142763.2); c.3828-6T>G (NM_001354411.2); c.3843-6T>G (NM_001142769.3); c.3741-6T>G (NM_001354404.2, NM_001142773.2, NM_001142768.2); c.3696-6T>G (NM_001142767.2); c.3594-6T>G (NM_001142765.2).
Identifiers: ClinVar variation 179321 (VCV000179321.15), dbSNP rs727504791, ClinGen allele CA184196.

ClinVar aggregate classification (germline): Conflicting classifications of pathogenicity. Review status: criteria provided, conflicting classifications (1 of 4 stars). 6 submissions from 6 submitters: Uncertain significance (2); Likely benign (1). 3 of the submissions do not count toward it. Last evaluated 2026-01-26.

Conditions:
PCDH15-related disorder. Also called: PCDH15-related condition; PCDH15-related disorders.
Usher syndrome type 1F (USH1F). Also called: USHER SYNDROME, TYPE IF. Identifiers: Orphanet 231169, Orphanet 886, MedGen C1865885, MONDO:0011186, OMIM 602083.

Allele frequency attached by ClinVar (database versions not stated): ExAC 0.00007; gnomAD exomes 0.00003 and 0.00006; gnomAD 0.00001; TOPMed 0.00001.
gnomAD v4.1: 50 of 1,612,748 alleles (0.0031%); highest among the groups gnomAD compares: Middle Eastern, 0.049%; no homozygotes.

Submissions (6):

Labcorp Genetics (formerly Invitae), Labcorp
Classification: Likely benign. Last evaluated: 2026-01-26. Review status: criteria provided, single submitter. Criteria: Invitae Variant Classification Sherloc (09022015). Collection method: clinical testing. Allele origin: germline.

Athena Diagnostics
Classification: Uncertain significance. Last evaluated: 2023-01-05. Review status: criteria provided, single submitter. Criteria: Athena Diagnostics Criteria. Collection method: clinical testing. Allele origin: unknown.
Comment: Available data are insufficient to determine the clinical significance of the variant at this time. The frequency of this variant in the general population is uninformative in assessment of its pathogenicity. Computational tools yielded predictions that this variant may interfere with normal RNA splicing.

Laboratory for Molecular Medicine, Mass General Brigham Personalized Medicine
Classification: Uncertain significance. Last evaluated: 2013-10-16. Review status: criteria provided, single submitter. Criteria: LMM Criteria. Collection method: clinical testing. Allele origin: germline. Observed: 1 variant allele.
Comment: Variant classified as Uncertain Significance - Favor Benign. The 3807-6T>G varia nt in PCDH15 has not been reported in the literature and data from large populat ion studies is insufficient to assess the frequency of this variant. This varian t is located in the 3' splice region but not in the invariant -1/-2 splice site positions of the splice site consensus sequence. Computational tools do not sugg est an impact to splicing, though this information is not predictive enough to r ule out pathogenicity. In summary, the clinical significance of this variant can not be determined with certainty; however, based upon the computational data, we lean towards a more likely benign role.

Natera, Inc.
Classification: Uncertain significance for Usher syndrome type 1F. Last evaluated: 2020-03-10. Review status: no assertion criteria provided. Collection method: clinical testing. Allele origin: germline. Not counted in ClinVar's aggregate classification.

PreventionGenetics, part of Exact Sciences
Classification: Likely benign for PCDH15-related condition. Last evaluated: 2019-02-21. Review status: no assertion criteria provided. Collection method: clinical testing. Allele origin: germline. Not counted in ClinVar's aggregate classification.
Comment: This variant is classified as likely benign based on ACMG/AMP sequence variant interpretation guidelines (Richards et al. 2015 PMID: 25741868, with internal and published modifications).

Counsyl
Classification: Uncertain significance for Usher syndrome type 1F. Last evaluated: 2017-08-18. Review status: no assertion criteria provided. Collection method: clinical testing. Allele origin: unknown. Not counted in ClinVar's aggregate classification.